The following is an entry in ClinVar:

NM_001367868.2(PLIN4):c.1854A>C (p.Thr618=)

Gene: PLIN4 (perilipin 4; minus strand). Cytogenetic location: 19p13.3.
Variant type: single nucleotide variant.
Coding change: c.1854A>C on transcript NM_001367868.2 (MANE Select); coding-DNA position 1854, A replaced by C.
Protein change: p.Thr618=; no amino-acid change (threonine 618 retained).
Molecular consequence: synonymous variant.
Genome position (GRCh38, 1-based): chr19:4,512,106, T>G on the plus strand (A>C on the coding strand, the complement: PLIN4 is on the minus strand). VCF-style: chr19-4512106-T-G. GRCh37 (hg19) VCF-style: chr19-4512118-T-G.
Other names: c.1857A>C, p.Thr619= (NM_001393888.1, NM_001393889.1); c.1854A>C, p.Thr618= (NM_001393890.1, NM_001393891.1).
Identifiers: ClinVar variation 3778083 (VCV003778083.7).
Genomic context (GRCh38, chr19:4,512,106, plus strand): 5'-GACCCCACTGTAGATGGTGTCCTTGGTACCGGTTAGGACAGTTTTGGTGGTGTCCATGCC[T>G]GTCTGGACGGTCCCTTTGGCGACATTCACTGCCCCCACGAGCCCAGTAGTCACTGTGTCC-3'
Protein context (NP_001354797.1, residues 608-628): AVNVAKGTVQ[Thr618=]GMDTTKTVLT

ClinVar aggregate classification (germline): Likely benign (1 of 4 stars; one submission).

Submission:

CeGaT Center for Human Genetics Tuebingen
Classification: Likely benign. Last evaluated: 2025-03-01. Review status: criteria provided, single submitter. Criteria: CeGaT Center For Human Genetics Tuebingen Variant Classification Criteria Version 2. Collection method: clinical testing. Allele origin: germline. Affected: yes. Observed: 1 variant allele.
Comment: PLIN4: BP4, BP7